The following is an entry in ClinVar:

ClinVar aggregate classification (germline): Uncertain significance (1 of 4 stars; one submission).

gnomAD v4.1: 1 of 1,613,776 alleles (0.000062%); highest among the groups gnomAD compares: African/African-American, 0.0013%; no homozygotes.

Submission:

Labcorp Genetics (formerly Invitae), Labcorp
Classification: Uncertain significance. Last evaluated: 2024-06-12. Review status: criteria provided, single submitter. Criteria: Invitae Variant Classification Sherloc (09022015). Collection method: clinical testing. Allele origin: germline.
Comment: This sequence change creates a premature translational stop signal (p.Gln1851*) in the MYH7B gene. It is expected to result in an absent or disrupted protein product. However, the current clinical and genetic evidence is not sufficient to establish whether loss-of-function variants in MYH7B cause disease. This variant is not present in population databases (gnomAD no frequency). This variant has not been reported in the literature in individuals affected with MYH7B-related conditions. In summary, the available evidence is currently insufficient to determine the role of this variant in disease. Therefore, it has been classified as a Variant of Uncertain Significance.

NM_020884.7(MYH7B):c.5425C>T (p.Gln1809Ter)

Gene: MYH7B (myosin heavy chain 7B; plus strand). Cytogenetic location: 20q11.22.
Variant type: single nucleotide variant.
Coding change: c.5425C>T on transcript NM_020884.7 (MANE Select); coding-DNA position 5425, C replaced by T.
Protein change: p.Gln1809Ter; replaces glutamine 1809 with a stop codon.
Molecular consequence: nonsense.
Genome position (GRCh38, 1-based): chr20:35,001,108, C>T. VCF-style: chr20-35001108-C-T. GRCh37 (hg19) VCF-style: chr20-33588911-C-T.
Other names: short protein forms Q1809*.
Identifiers: ClinVar variation 3691245 (VCV003691245.2).